The following is an entry in ClinVar:

NM_016507.4(CDK12):c.3202A>G (p.Lys1068Glu)

Gene: CDK12 (cyclin dependent kinase 12; plus strand). Cytogenetic location: 17q12.
Variant type: single nucleotide variant.
Coding change: c.3202A>G on transcript NM_016507.4 (MANE Select); coding-DNA position 3202, A replaced by G.
Protein change: p.Lys1068Glu; replaces lysine 1068 with glutamic acid.
Molecular consequence: missense variant.
Genome position (GRCh38, 1-based): chr17:39,524,780, A>G. VCF-style: chr17-39524780-A-G. GRCh37 (hg19) VCF-style: chr17-37681033-A-G.
Other names: c.3202A>G, p.Lys1068Glu (NM_015083.4); short protein forms K1068E.
Identifiers: ClinVar variation 4825948 (VCV004825948.1).

ClinVar aggregate classification (germline): Uncertain significance (1 of 4 stars; one submission).

Submission:

Ambry Genetics
Classification: Uncertain significance. Last evaluated: 2026-03-03. Review status: criteria provided, single submitter. Criteria: Ambry Variant Classification Scheme 2023. Collection method: clinical testing. Allele origin: germline.
Comment: The p.K1068E variant (also known as c.3202A>G), located in coding exon 12 of the CDK12 gene, results from an A to G substitution at nucleotide position 3202. The lysine at codon 1068 is replaced by glutamic acid, an amino acid with similar properties. This amino acid position is conserved. In addition, the in silico prediction for this alteration is inconclusive. Based on the available evidence, the clinical significance of this variant remains unclear.